The following is an entry in ClinVar:

ClinVar aggregate classification (germline): Uncertain significance. Review status: criteria provided, multiple submitters, no conflicts (2 of 4 stars). 3 submissions from 3 submitters: Uncertain significance (3). Last evaluated 2025-05-07.

Conditions:
Hereditary cancer-predisposing syndrome. Also called: Hereditary Cancer Syndrome; Tumor predisposition; Neoplastic Syndromes, Hereditary; Hereditary neoplastic syndrome. Identifiers: Orphanet 140162, MedGen C0027672, MeSH D009386, MONDO:0015356.
Gastrointestinal stromal tumor. Also called: Gastrointestinal stromal tumor, somatic; Gastrointestinal stroma tumor. Identifiers: Orphanet 44890, MedGen C0238198, MeSH D046152, MONDO:0011719, OMIM 606764, HP:0100723.
Pheochromocytoma/paraganglioma syndrome 3. Also called: SDHC-Related Hereditary Paraganglioma-Pheochromocytoma Syndrome (Paragangliomas 3); SDHC-Related Hereditary Paraganglioma-Pheochromocytoma Syndrome; Paragangliomas 3; GLOMUS TUMORS, FAMILIAL, 3. Identifiers: Orphanet 29072, MedGen C1854336, MONDO:0011544, OMIM 605373.

Allele frequency attached by ClinVar (database versions not stated): gnomAD 0.00001.
gnomAD v4.1: 1 of 1,613,246 alleles (0.000062%); highest among the groups gnomAD compares: African/African-American, 0.0013%; no homozygotes.

Submissions (3):

Ambry Genetics
Classification: Uncertain significance for Hereditary cancer-predisposing syndrome. Last evaluated: 2025-05-07. Review status: criteria provided, single submitter. Criteria: Ambry Variant Classification Scheme 2023. Collection method: clinical testing. Allele origin: germline.
Comment: The p.A16V variant (also known as c.47C>T), located in coding exon 2 of the SDHC gene, results from a C to T substitution at nucleotide position 47. The alanine at codon 16 is replaced by valine, an amino acid with similar properties. This amino acid position is conserved. In addition, the in silico prediction for this alteration is inconclusive. Based on the available evidence, the clinical significance of this variant remains unclear.

Labcorp Genetics (formerly Invitae), Labcorp
Classification: Uncertain significance for Pheochromocytoma/paraganglioma syndrome 3; Gastrointestinal stromal tumor. Last evaluated: 2022-11-07. Review status: criteria provided, single submitter. Criteria: Invitae Variant Classification Sherloc (09022015). Collection method: clinical testing. Allele origin: germline.
Comment: In summary, the available evidence is currently insufficient to determine the role of this variant in disease. Therefore, it has been classified as a Variant of Uncertain Significance. Algorithms developed to predict the effect of missense changes on protein structure and function (SIFT, PolyPhen-2, Align-GVGD) all suggest that this variant is likely to be tolerated. ClinVar contains an entry for this variant (Variation ID: 576513). This variant has not been reported in the literature in individuals affected with SDHC-related conditions. This variant is not present in population databases (gnomAD no frequency). This sequence change replaces alanine, which is neutral and non-polar, with valine, which is neutral and non-polar, at codon 16 of the SDHC protein (p.Ala16Val).

Baylor Genetics
Classification: Uncertain significance for Gastrointestinal stromal tumor. Last evaluated: 2022-03-23. Review status: criteria provided, single submitter. Criteria: ACMG Guidelines, 2015. Collection method: clinical testing. Allele origin: unknown.

NM_003001.5(SDHC):c.47C>T (p.Ala16Val)

Gene: SDHC (succinate dehydrogenase complex subunit C; plus strand). Cytogenetic location: 1q23.3.
Variant type: single nucleotide variant.
Coding change: c.47C>T on transcript NM_003001.5 (MANE Select); coding-DNA position 47, C replaced by T.
Protein change: p.Ala16Val; replaces alanine 16 with valine.
Molecular consequence: missense variant. On other transcripts: 5 prime UTR variant (2), non-coding transcript variant (1), intron variant (4).
Genome position (GRCh38, 1-based): chr1:161,323,640, C>T. VCF-style: chr1-161323640-C-T. GRCh37 (hg19) VCF-style: chr1-161293430-C-T.
Other names: c.47C>T, p.Ala16Val (NM_001035511.3, NM_001035512.3, NM_001278172.3 and 2 more transcripts); c.-65C>T (NM_001407119.1); c.-183C>T (NM_001407120.1); c.21-4756C>T (NM_001407116.1, NM_001407121.1, NM_001407117.1); c.20+9215C>T (NM_001035513.3); short protein forms A16V.
Identifiers: ClinVar variation 576513 (VCV000576513.13), dbSNP rs1558164567, ClinGen allele CA343359448.
Genomic context (GRCh38, chr1:161,323,640, plus strand): 5'-ATGTGTATTGATTTTTGATTCTCTTATCTTGCAGACACGTTGGTCGTCATTGCCTCCGAG[C>T]CCACTTTAGCCCTCAGCTCTGTATCAGAAAGTAAGTTTCTAAGTCTGGAGATTATTTATT-3'
Protein context (NP_002992.1, residues 6-26): LRHVGRHCLR[Ala16Val]HFSPQLCIRN